The following is an entry in ClinVar:

ClinVar aggregate classification (germline): Uncertain significance (1 of 4 stars; one submission).

gnomAD v4.1: 3 of 1,614,202 alleles (0.00019%); highest among the groups gnomAD compares: Non-Finnish European, 0.00025%; no homozygotes.

Submission:

GeneDx
Classification: Uncertain significance. Last evaluated: 2019-04-03. Review status: criteria provided, single submitter. Criteria: GeneDx Variant Classification Process June 2021. Collection method: clinical testing. Allele origin: germline. Affected: yes.
Comment: Has not been previously published as pathogenic or benign to our knowledge; In silico analysis, which includes protein predictors and evolutionary conservation, supports a deleterious effect; Not observed in large population cohorts (Lek et al., 2016)

NM_053025.4(MYLK):c.3887C>T (p.Thr1296Ile)

Gene: MYLK (myosin light chain kinase; minus strand). Cytogenetic location: 3q21.1.
Variant type: single nucleotide variant.
Coding change: c.3887C>T on transcript NM_053025.4 (MANE Select); coding-DNA position 3887, C replaced by T.
Protein change: p.Thr1296Ile; replaces threonine 1296 with isoleucine.
Molecular consequence: missense variant.
Genome position (GRCh38, 1-based): chr3:123,664,203, G>A on the plus strand (C>T on the coding strand, the complement: MYLK is on the minus strand). VCF-style: chr3-123664203-G-A. GRCh37 (hg19) VCF-style: chr3-123383050-G-A.
Other names: c.3359C>T, p.Thr1120Ile (NM_001321309.2); c.3680C>T, p.Thr1227Ile (NM_053026.4, NM_053028.4); c.3887C>T, p.Thr1296Ile (NM_053027.4); short protein forms T1120I, T1227I, T1296I.
Identifiers: ClinVar variation 1317136 (VCV001317136.2), dbSNP rs1330691130, ClinGen allele CA354229272.